The following is an entry in ClinVar:

NM_000540.3(RYR1):c.6245A>G (p.Glu2082Gly)

Gene: RYR1 (ryanodine receptor 1; plus strand). Cytogenetic location: 19q13.2.
Variant type: single nucleotide variant.
Coding change: c.6245A>G on transcript NM_000540.3 (MANE Select); coding-DNA position 6245, A replaced by G.
Protein change: p.Glu2082Gly; replaces glutamic acid 2082 with glycine.
Molecular consequence: missense variant.
Genome position (GRCh38, 1-based): chr19:38,492,607, A>G. VCF-style: chr19-38492607-A-G. GRCh37 (hg19) VCF-style: chr19-38983247-A-G.
Other names: c.6245A>G, p.Glu2082Gly (NM_001042723.2); short protein forms E2082G.
Identifiers: ClinVar variation 3074570 (VCV003074570.1), dbSNP rs2514265316, ClinGen allele CA405662541.

ClinVar aggregate classification (germline): Uncertain significance (1 of 4 stars; one submission).

Conditions:
Malignant hyperthermia, susceptibility to, 1 (MHS1). Also called: Anesthesia related hyperthermia; Malignant hyperpyrexia; Fulminating hyperpyrexia; Pharmacogenic myopathy; RYR1-Related Malignant Hyperthermia Susceptibility; Malignant hyperthermia suceptibility 1. Identifiers: Orphanet 423, MedGen C2930980, MONDO:0007783, OMIM 145600.

Submission:

All of Us Research Program, National Institutes of Health
Classification: Uncertain significance for Malignant hyperthermia, susceptibility to, 1. Last evaluated: 2023-11-20. Review status: criteria provided, single submitter. Criteria: ACMG Guidelines, 2015. Collection method: clinical testing. Allele origin: germline. Inheritance: Autosomal dominant inheritance. Observed: 1 variant allele, 1 heterozygote.
Comment: This missense variant replaces glutamic acid with glycine at codon 2082 of the RYR1 protein. Computational prediction suggests that this variant may not impact protein structure and function (internally defined REVEL score threshold <= 0.5, PMID: 27666373). To our knowledge, functional studies have not been reported for this variant. This variant has not been reported in individuals affected with RYR1-related disorders in the literature. This variant has not been identified in the general population by the Genome Aggregation Database (gnomAD). The available evidence is insufficient to determine the role of this variant in disease conclusively. Therefore, this variant is classified as a Variant of Uncertain Significance.

This study involves interpretation of variants in research participants for the purpose of population health screening. Participant phenotype was not available at the time of variant classification. Additional details can be found in publication PMID: 35346344, PMCID: PMC8962531